The following is an entry in ClinVar:

ClinVar aggregate classification (germline): Uncertain significance (1 of 4 stars; one submission).

Conditions:
Dilated cardiomyopathy 1KK (CMD1KK). Identifiers: Orphanet 154, Orphanet 75249, MedGen C3714995, MONDO:0014100, OMIM 615248.

Submission:

Labcorp Genetics (formerly Invitae), Labcorp
Classification: Uncertain significance for Dilated cardiomyopathy 1KK. Last evaluated: 2018-07-25. Review status: criteria provided, single submitter. Criteria: Invitae Variant Classification Sherloc (09022015). Collection method: clinical testing. Allele origin: germline.
Comment: In summary, the available evidence is currently insufficient to determine the role of this variant in disease. Therefore, it has been classified as a Variant of Uncertain Significance. This variant results in a copy number gain of the genomic region encompassing exons 2-4 of the MYPN gene. The 5' end of this event is unknown as it extends beyond the assayed region for this gene and therefore may encompass additional genes. The 3' boundary is likely confined to intron 4 of the MYPN gene. As the precise location of this event is unknown, it may be in tandem or it may be located elsewhere in the genome. This variant has not been reported in the literature in individuals with MYPN-related disease.

NC_000010.10:g.(?_69881176)_(69905303_?)dup

Gene: MYPN (myopalladin; plus strand). Cytogenetic location: 10q21.3.
Variant type: Duplication.
Identifiers: ClinVar variation 639382 (VCV000639382.6).